The following is an entry in ClinVar:

ClinVar aggregate classification (germline): Uncertain significance. Review status: criteria provided, multiple submitters, no conflicts (2 of 4 stars). 2 submissions from 2 submitters: Uncertain significance (2). Last evaluated 2023-01-11.

Conditions:
Hyperphosphatasia with impaired intellectual development syndrome 2. Also called: Hyperphosphatasia with intellectual disability syndrome 2; GLYCOSYLPHOSPHATIDYLINOSITOL BIOSYNTHESIS DEFECT 6. Identifiers: Orphanet 247262, MedGen C3553637, MONDO:0013882, OMIM 614749.

gnomAD v4.1: 5 of 1,612,242 alleles (0.00031%); highest among the groups gnomAD compares: Non-Finnish European, 0.00025%; no homozygotes.

Submissions (2):

GeneDx
Classification: Uncertain significance. Last evaluated: 2023-01-11. Review status: criteria provided, single submitter. Criteria: GeneDx Variant Classification Process June 2021. Collection method: clinical testing. Allele origin: germline. Affected: yes.
Comment: Not observed at significant frequency in large population cohorts (gnomAD); In silico analysis supports that this missense variant does not alter protein structure/function; Has not been previously published as pathogenic or benign to our knowledge

Labcorp Genetics (formerly Invitae), Labcorp
Classification: Uncertain significance for Hyperphosphatasia with impaired intellectual development syndrome 2. Last evaluated: 2022-06-29. Review status: criteria provided, single submitter. Criteria: Invitae Variant Classification Sherloc (09022015). Collection method: clinical testing. Allele origin: germline.
Comment: In summary, the available evidence is currently insufficient to determine the role of this variant in disease. Therefore, it has been classified as a Variant of Uncertain Significance. Algorithms developed to predict the effect of missense changes on protein structure and function are either unavailable or do not agree on the potential impact of this missense change (SIFT: "Deleterious"; PolyPhen-2: "Benign"; Align-GVGD: "Class C0"). This variant has not been reported in the literature in individuals affected with PIGO-related conditions. This variant is not present in population databases (gnomAD no frequency). This sequence change replaces alanine, which is neutral and non-polar, with proline, which is neutral and non-polar, at codon 728 of the PIGO protein (p.Ala728Pro).

NM_032634.4(PIGO):c.2182G>C (p.Ala728Pro)

Gene: PIGO (phosphatidylinositol glycan anchor biosynthesis class O; minus strand). Cytogenetic location: 9p13.3.
Variant type: single nucleotide variant.
Coding change: c.2182G>C on transcript NM_032634.4 (MANE Select); coding-DNA position 2182, G replaced by C.
Protein change: p.Ala728Pro; replaces alanine 728 with proline.
Molecular consequence: missense variant. On other transcripts: intron variant (2).
Genome position (GRCh38, 1-based): chr9:35,091,705, C>G on the plus strand (G>C on the coding strand, the complement: PIGO is on the minus strand). VCF-style: chr9-35091705-C-G. GRCh37 (hg19) VCF-style: chr9-35091702-C-G.
Other names: c.2182G>C (NM_032634.3); c.1345-414G>C (NM_152850.4, NM_001201484.2); short protein forms A728P.
Identifiers: ClinVar variation 1473523 (VCV001473523.9), dbSNP rs1221803789, ClinGen allele CA373320611.